The following is an entry in ClinVar:

NM_002291.3(LAMB1):c.350-7_350-5del

Gene: LAMB1 (laminin subunit beta 1; minus strand). Cytogenetic location: 7q31.1.
Variant type: Deletion.
Coding change: c.350-7_350-5del on transcript NM_002291.3 (MANE Select); 7 bases into the intron before coding-DNA position 350 through 5 bases into the intron before coding-DNA position 350, 3 bases deleted (CCT; older notation c.350-7_350-5delCCT).
Molecular consequence: intron variant.
Genome position (GRCh38, 1-based): chr7:107,994,965-107,994,967, AGG deleted on the plus strand (CCT on the coding strand, the reverse complement: LAMB1 is on the minus strand); deleting any 3 consecutive bases within chr7:107,994,965-107,994,969 gives the same sequence; the c. name uses the placement nearest the transcript's 3' end. VCF-style (leftmost placement, unchanged base first): chr7-107994964-CAGG-C. GRCh37 (hg19) VCF-style: chr7-107635409-CAGG-C.
Other names: c.350-7_350-5delCCT (NM_002291.2).
Identifiers: ClinVar variation 2067309 (VCV002067309.6), dbSNP rs755112093, ClinGen allele CA4436318.
Genomic context (GRCh38, chr7:107,994,964, plus strand): 5'-GATGAGTAAAATGGAATTCTGCTTCCAAATCCAGTTGGATAGTTACATTTTCCACACCTA[CAGG>C]AGATTTAAAAAAAATAAAACAATAAATGAAACTGTAAATAGAAACATCTGTGAATAGTTG-3'

ClinVar aggregate classification (germline): Likely benign. Review status: criteria provided, single submitter (1 of 4 stars). 2 submissions from 2 submitters: Likely benign (1). 1 of the submissions does not count toward it. Last evaluated 2024-10-30.

Conditions:
LAMB1-related disorder. Also called: LAMB1-related condition.

Submissions (2):

Labcorp Genetics (formerly Invitae), Labcorp
Classification: Likely benign. Last evaluated: 2024-10-30. Review status: criteria provided, single submitter. Criteria: Invitae Variant Classification Sherloc (09022015). Collection method: clinical testing. Allele origin: germline.

PreventionGenetics, part of Exact Sciences
Classification: Likely benign for LAMB1-related condition. Last evaluated: 2024-02-15. Review status: no assertion criteria provided. Collection method: clinical testing. Allele origin: germline. Not counted in ClinVar's aggregate classification.
Comment: This variant is classified as likely benign based on ACMG/AMP sequence variant interpretation guidelines (Richards et al. 2015 PMID: 25741868, with internal and published modifications).